The following is an entry in ClinVar:

ClinVar aggregate classification (germline): Uncertain significance. Review status: criteria provided, multiple submitters, no conflicts (2 of 4 stars). 2 submissions from 2 submitters: Uncertain significance (2). Last evaluated 2026-04-14.

Conditions:
Familial intrahepatic cholestasis. Identifiers: Orphanet 284385, MedGen CN296401, MONDO:0017290.

Submissions (2):

Genomenon, Inc
Classification: Uncertain significance for Familial intrahepatic cholestasis. Last evaluated: 2026-04-14. Review status: criteria provided, single submitter. Criteria: Genomenon Sequence Variant Interpretation Standards - Updated. Collection method: curation. Allele origin: germline. Affected: yes.
Comment: ABCB11 p.Cys1083Tyr (c.3248G>A) is a missense variant that changes the amino acid at residue 1083 from Cysteine to Tyrosine. This variant has been observed in at least one proband with an ABCB11-related disorder (PMID:21219577). The variant was found to segregate with disease in at least one affected family (PMID:21219577). It has been observed in trans with a pathogenic or likely pathogenic variant (PMID:21219577). It is absent or not present at a significant frequency in gnomAD. In silico models predict that this variant is possibly or probably damaging. In conclusion, we classify ABCB11 p.Cys1083Tyr (c.3248G>A) as a variant of uncertain significance.

Eurofins Ntd Llc (ga)
Classification: Uncertain significance. Last evaluated: 2017-12-21. Review status: criteria provided, single submitter. Criteria: EGL Classification Definitions 2015. Collection method: clinical testing. Allele origin: germline. Observed: 1 variant allele, 1 heterozygote.

Literature cited by the submitters: PubMed 21219577 (cited by Genomenon, Inc).

NM_003742.4(ABCB11):c.3248G>A (p.Cys1083Tyr)

Gene: ABCB11 (ATP binding cassette subfamily B member 11; minus strand). Cytogenetic location: 2q31.1.
Variant type: single nucleotide variant.
Coding change: c.3248G>A on transcript NM_003742.4 (MANE Select); coding-DNA position 3248, G replaced by A.
Protein change: p.Cys1083Tyr; replaces cysteine 1083 with tyrosine.
Molecular consequence: missense variant.
Genome position (GRCh38, 1-based): chr2:168,930,828, C>T on the plus strand (G>A on the coding strand, the complement: ABCB11 is on the minus strand). VCF-style: chr2-168930828-C-T. GRCh37 (hg19) VCF-style: chr2-169787338-C-T.
Other names: c.3248G>A, p.Cys1083Tyr (LRG_1199t1); short protein forms C1083Y.
Identifiers: ClinVar variation 595489 (VCV000595489.6), dbSNP rs1559179342, ClinGen allele CA349121968.